The following is an entry in ClinVar:

ClinVar aggregate classification (germline): Likely benign (1 of 4 stars; one submission).

Conditions:
Hennekam lymphangiectasia-lymphedema syndrome 1 (HKLLS1). Also called: LYMPHATIC DYSPLASIA, GENERALIZED. Identifiers: Orphanet 2136, MedGen C4012050, MONDO:0009337, OMIM 235510.

Allele frequency attached by ClinVar (database versions not stated): 1000 Genomes Project 30x 0.00312; 1000 Genomes Project 0.00240; TOPMed 0.00244; gnomAD 0.00239.

Submission:

Illumina Laboratory Services, Illumina
Classification: Likely benign for Hennekam lymphangiectasia-lymphedema syndrome 1. Last evaluated: 2018-01-13. Review status: criteria provided, single submitter. Criteria: ICSL Variant Classification Criteria 13 December 2019. Collection method: clinical testing. Allele origin: germline.
Comment: This variant was observed in the ICSL laboratory as part of a predisposition screen in an ostensibly healthy population. It had not been previously curated by ICSL or reported in the Human Gene Mutation Database (HGMD: prior to June 1st, 2018), and was therefore a candidate for classification through an automated scoring system. Utilizing variant allele frequency, disease prevalence and penetrance estimates, and inheritance mode, an automated score was calculated to assess if this variant is too frequent to cause the disease. Based on the score and internal cut-off values, a variant classified as likely benign is not then subjected to further curation. The score for this variant resulted in a classification of likely benign for this disease.

NM_133459.4(CCBE1):c.*2178C>T

Gene: CCBE1 (collagen and calcium binding EGF domains 1; minus strand). Cytogenetic location: 18q21.32.
Variant type: single nucleotide variant.
Coding change: c.*2178C>T on transcript NM_133459.4 (MANE Select); 2178 bases downstream of the stop codon, C replaced by T.
Molecular consequence: 3 prime UTR variant.
Genome position (GRCh38, 1-based): chr18:59,433,730, G>A on the plus strand (C>T on the coding strand, the complement: CCBE1 is on the minus strand). VCF-style: chr18-59433730-G-A. GRCh37 (hg19) VCF-style: chr18-57100962-G-A.
Other names: c.*2178C>T (LRG_1209t1).
Identifiers: ClinVar variation 327648 (VCV000327648.5), dbSNP rs535062443, ClinGen allele CA10648008.